The following is an entry in ClinVar:

ClinVar aggregate classification (germline): Pathogenic. Review status: reviewed by expert panel (3 of 4 stars). 2 submissions from 2 submitters: Pathogenic (1). 1 of the submissions does not count toward it. Last evaluated 2016-10-18.

Conditions:
Breast-ovarian cancer, familial, susceptibility to, 2 (BROVCA2). Also called: BRCA2 Hereditary Breast and Ovarian Cancer. Identifiers: Orphanet 145, MedGen C2675520, MONDO:0012933, OMIM 612555. Disease mechanism: loss of function.

Submissions (2):

Evidence-based Network for the Interpretation of Germline Mutant Alleles (ENIGMA)
Classification: Pathogenic for Breast-ovarian cancer, familial, susceptibility to, 2. Last evaluated: 2016-10-18. Review status: reviewed by expert panel. Criteria: ENIGMA BRCA1/2 Classification Criteria (2015). Collection method: curation. Allele origin: germline.
Comment: Variant allele predicted to encode a truncated non-functional protein.

Consortium of Investigators of Modifiers of BRCA1/2 (CIMBA), c/o University of Cambridge
Classification: Pathogenic for Breast-ovarian cancer, familial, susceptibility to, 2. Last evaluated: 2015-10-02. Review status: criteria provided, single submitter. Criteria: CIMBA Mutation Classification guidelines May 2016. Collection method: clinical testing. Allele origin: germline. Not counted in ClinVar's aggregate classification.

NM_000059.4(BRCA2):c.2983G>T (p.Gly995Ter)

Gene: BRCA2 (BRCA2 DNA repair associated; plus strand). Cytogenetic location: 13q13.1.
Variant type: single nucleotide variant.
Coding change: c.2983G>T on transcript NM_000059.4 (MANE Select); coding-DNA position 2983, G replaced by T.
Protein change: p.Gly995Ter; replaces glycine 995 with a stop codon.
Molecular consequence: nonsense.
Genome position (GRCh38, 1-based): chr13:32,337,338, G>T. VCF-style: chr13-32337338-G-T. GRCh37 (hg19) VCF-style: chr13-32911475-G-T.
Other names: 3211G>T; short protein forms G995*.
Identifiers: ClinVar variation 266731 (VCV000266731.7), dbSNP rs886040457, ClinGen allele CA10589183.